The following is an entry in ClinVar:

NM_001042492.3(NF1):c.8516T>C (p.Val2839Ala)

Gene: NF1 (neurofibromin 1; plus strand). Cytogenetic location: 17q11.2.
Variant type: single nucleotide variant.
Coding change: c.8516T>C on transcript NM_001042492.3 (MANE Select); coding-DNA position 8516, T replaced by C.
Protein change: p.Val2839Ala; replaces valine 2839 with alanine.
Molecular consequence: missense variant.
Genome position (GRCh38, 1-based): chr17:31,374,151, T>C. VCF-style: chr17-31374151-T-C. GRCh37 (hg19) VCF-style: chr17-29701169-T-C.
Other names: c.8453T>C, p.Val2818Ala (NM_000267.4); short protein forms V2839A, V2818A.
Identifiers: ClinVar variation 1468849 (VCV001468849.8), dbSNP rs2151601671, ClinGen allele CA399206149.

ClinVar aggregate classification (germline): Uncertain significance (1 of 4 stars; one submission).

Conditions:
Neurofibromatosis, type 1 (NF1). Also called: NEUROFIBROMATOSIS, TYPE I, SOMATIC; VON RECKLINGHAUSEN DISEASE; Peripheral type neurofibromatosis; Neurofibromatosis, type I. Identifiers: Orphanet 636, MedGen C0027831, MONDO:0018975, OMIM 162200. Disease mechanism: loss of function.

Submission:

Labcorp Genetics (formerly Invitae), Labcorp
Classification: Uncertain significance for Neurofibromatosis, type 1. Last evaluated: 2022-04-13. Review status: criteria provided, single submitter. Criteria: Invitae Variant Classification Sherloc (09022015). Collection method: clinical testing. Allele origin: germline.
Comment: In summary, the available evidence is currently insufficient to determine the role of this variant in disease. Therefore, it has been classified as a Variant of Uncertain Significance. Advanced modeling of protein sequence and biophysical properties (such as structural, functional, and spatial information, amino acid conservation, physicochemical variation, residue mobility, and thermodynamic stability) performed at Invitae indicates that this missense variant is not expected to disrupt NF1 protein function. This variant has not been reported in the literature in individuals affected with NF1-related conditions. This sequence change replaces valine, which is neutral and non-polar, with alanine, which is neutral and non-polar, at codon 2818 of the NF1 protein (p.Val2818Ala). This variant is not present in population databases (gnomAD no frequency).